The following is an entry in ClinVar:

ClinVar aggregate classification (germline): Benign (0 of 4 stars; one submission).

Conditions:
HAP1-related disorder. Also called: HAP1-related condition.

Allele frequency attached by ClinVar (database versions not stated): 1000 Genomes Project 0.03195; gnomAD 0.03270; 1000 Genomes Project 30x 0.03357; TOPMed 0.03691; ESP Exome Variant Server 0.03775.

Submission:

PreventionGenetics, part of Exact Sciences
Classification: Benign for HAP1-related condition. Last evaluated: 2019-02-28. Review status: no assertion criteria provided. Collection method: clinical testing. Allele origin: germline.
Comment: This variant is classified as benign based on ACMG/AMP sequence variant interpretation guidelines (Richards et al. 2015 PMID: 25741868, with internal and published modifications).

NM_177977.3(HAP1):c.1563G>A (p.Pro521=)

Gene: HAP1 (huntingtin associated protein 1; minus strand). Cytogenetic location: 17q21.2.
Variant type: single nucleotide variant.
Coding change: c.1563G>A on transcript NM_177977.3 (MANE Select); coding-DNA position 1563, G replaced by A.
Protein change: p.Pro521=; no amino-acid change (proline 521 retained).
Molecular consequence: synonymous variant. On other transcripts: intron variant (1).
Genome position (GRCh38, 1-based): chr17:41,724,998, C>T on the plus strand (G>A on the coding strand, the complement: HAP1 is on the minus strand). VCF-style: chr17-41724998-C-T. GRCh37 (hg19) VCF-style: chr17-39881250-C-T.
Other names: c.1512G>A, p.Pro504= (NM_001079870.1); c.1488G>A, p.Pro496= (NM_001079871.1, NM_001367461.1); c.1659G>A, p.Pro553= (NM_001367459.1); c.1623G>A, p.Pro541= (NM_001367460.1); c.1331+861G>A (NM_001367462.1).
Identifiers: ClinVar variation 3037846 (VCV003037846.2), dbSNP rs34453339, ClinGen allele CA8564266.